The following is an entry in ClinVar:

ClinVar aggregate classification (germline): Uncertain significance (1 of 4 stars; one submission).

Conditions:
Autosomal dominant nonsyndromic hearing loss 1. Also called: KONIGSMARK SYNDROME; DEAFNESS, AUTOSOMAL DOMINANT 1, WITH OR WITHOUT THROMBOCYTOPENIA. Identifiers: Orphanet 90635, MedGen C1852282, MONDO:0007424, OMIM 124900.
Progressive microcephaly-seizures-cortical blindness-developmental delay syndrome. Also called: Seizures, cortical blindness, and microcephaly syndrome. Identifiers: Orphanet 477814, MedGen C5567650, MONDO:0014714, OMIM 616632.

Allele frequency attached by ClinVar (database versions not stated): gnomAD exomes below 0.00001 and 0.00001; ExAC 0.00003.
gnomAD v4.1: 6 of 1,561,656 alleles (0.00038%); highest among the groups gnomAD compares: Non-Finnish European, 0.00052%; no homozygotes.

Submission:

Labcorp Genetics (formerly Invitae), Labcorp
Classification: Uncertain significance for Progressive microcephaly-seizures-cortical blindness-developmental delay syndrome; Autosomal dominant nonsyndromic hearing loss 1. Last evaluated: 2023-12-14. Review status: criteria provided, single submitter. Criteria: Invitae Variant Classification Sherloc (09022015). Collection method: clinical testing. Allele origin: germline.
Comment: This sequence change replaces proline, which is neutral and non-polar, with alanine, which is neutral and non-polar, at codon 612 of the DIAPH1 protein (p.Pro612Ala). The frequency data for this variant in the population databases is considered unreliable, as metrics indicate poor data quality at this position in the gnomAD database. This variant has not been reported in the literature in individuals affected with DIAPH1-related conditions. ClinVar contains an entry for this variant (Variation ID: 1516103). Experimental studies and prediction algorithms are not available or were not evaluated, and the functional significance of this variant is currently unknown. In summary, the available evidence is currently insufficient to determine the role of this variant in disease. Therefore, it has been classified as a Variant of Uncertain Significance.

NM_005219.5(DIAPH1):c.1834C>G (p.Pro612Ala)

Gene: DIAPH1 (diaphanous related formin 1; minus strand). Cytogenetic location: 5q31.3.
Variant type: single nucleotide variant.
Coding change: c.1834C>G on transcript NM_005219.5 (MANE Select); coding-DNA position 1834, C replaced by G.
Protein change: p.Pro612Ala; replaces proline 612 with alanine.
Molecular consequence: missense variant.
Genome position (GRCh38, 1-based): chr5:141,574,016, G>C on the plus strand (C>G on the coding strand, the complement: DIAPH1 is on the minus strand). VCF-style: chr5-141574016-G-C. GRCh37 (hg19) VCF-style: chr5-140953583-G-C.
Other names: c.1807C>G, p.Pro603Ala (NM_001079812.3); c.1834C>G, p.Pro612Ala (NM_001314007.2); short protein forms P603A, P612A.
Identifiers: ClinVar variation 1516103 (VCV001516103.6), dbSNP rs761554818, ClinGen allele CA3479206.